The following is an entry in ClinVar:

NM_007126.5(VCP):c.340A>G (p.Ile114Val)

Gene: VCP (valosin containing protein; minus strand). Cytogenetic location: 9p13.3.
Variant type: single nucleotide variant.
Coding change: c.340A>G on transcript NM_007126.5 (MANE Select); coding-DNA position 340, A replaced by G.
Protein change: p.Ile114Val; replaces isoleucine 114 with valine.
Molecular consequence: missense variant.
Genome position (GRCh38, 1-based): chr9:35,066,780, T>C on the plus strand (A>G on the coding strand, the complement: VCP is on the minus strand). VCF-style: chr9-35066780-T-C. GRCh37 (hg19) VCF-style: chr9-35066777-T-C.
Other names: p.Ile114Val; c.205A>G, p.Ile69Val (NM_001354927.2, NM_001354928.2); short protein forms I114V, I69V.
Identifiers: ClinVar variation 597496 (VCV000597496.20), dbSNP rs549915384, ClinGen allele CA5039496.
Genomic context (GRCh38, chr9:35,066,780, plus strand): 5'-ATACCTCGAAGAGATTACCAGTAATGCCTTCCACTGTGTCATCAATGGGCAGCACATGGA[T>C]ACGTTTGCCGTACTTCACATCAGGGCATGGCTGGATGCTGAGGATGACAAGCAGACTCCA-3'
Protein context (NP_009057.1, residues 104-124): PCPDVKYGKR[Ile114Val]HVLPIDDTVE

ClinVar aggregate classification (germline): Conflicting classifications of pathogenicity. Review status: criteria provided, conflicting classifications (1 of 4 stars). 5 submissions from 5 submitters: Uncertain significance (3); Likely benign (2). Last evaluated 2026-07-01.

Conditions:
Inclusion body myopathy with Paget disease of bone and frontotemporal dementia. Also called: Inclusion body myopathy with early-onset Paget disease and frontotemporal dementia. Identifiers: Orphanet 52430, MedGen C1833662, MONDO:0000507.
Frontotemporal dementia and/or amyotrophic lateral sclerosis 6 (FTDALS6). Also called: VCP-Related Amyotrophic Lateral Sclerosis/Frontotemporal Dementia; VCP-Related Amyotrophic Lateral Sclerosis. Identifiers: Orphanet 275872, Orphanet 803, MedGen C5436279, MONDO:0013501, OMIM 613954.
Inborn genetic diseases. Identifiers: MedGen C0950123, MeSH D030342.
VCP-related disorder. Also called: VCP-related condition; VCP-related disorders.

Allele frequency attached by ClinVar (database versions not stated): gnomAD 0.00004 and 0.00009; gnomAD exomes 0.00007 and 0.00017; ExAC 0.00009; TOPMed 0.00012.
gnomAD v4.1: 250 of 1,614,036 alleles (0.015%); highest among the groups gnomAD compares: Non-Finnish European, 0.02%; no homozygotes.

Submissions (5):

PreventionGenetics, part of Exact Sciences
Classification: Uncertain significance for VCP-related condition. Last evaluated: 2026-07-01. Review status: criteria provided, single submitter. Criteria: ACMG Guidelines, 2015. Collection method: clinical testing. Allele origin: germline.
Comment: The VCP c.340A>G variant is predicted to result in the amino acid substitution p.Ile114Val. This variant has been reported in a few individuals with amyotrophic lateral sclerosis (Koppers et al. 2012. PubMed ID: 22078486; Morgan et al. 2017. PubMed ID: 28430856; Mehta et al. 2018. PubMed ID: 30270202). This variant is reported in 0.015% of alleles in individuals of European (Non-Finnish) descent in gnomAD, which may be too common for a pathogenic variant. This variant has classifications ranging from likely benign to uncertain in the ClinVar database (Variation ID: 597496). Although we suspect that this variant may be benign, at this time, the clinical significance of this variant is uncertain due to the absence of conclusive functional and genetic evidence.

Labcorp Genetics (formerly Invitae), Labcorp
Classification: Likely benign for Inclusion body myopathy with Paget disease of bone and frontotemporal dementia; Frontotemporal dementia and/or amyotrophic lateral sclerosis 6. Last evaluated: 2026-01-26. Review status: criteria provided, single submitter. Criteria: Invitae Variant Classification Sherloc (09022015). Collection method: clinical testing. Allele origin: germline.

Mayo Clinic Laboratories, Mayo Clinic
Classification: Uncertain significance. Last evaluated: 2024-01-31. Review status: criteria provided, single submitter. Criteria: ACMG Guidelines, 2015. Collection method: clinical testing. Allele origin: germline. Observed: 1 variant allele.
Comment: BS2, BS4, PP2

Ambry Genetics
Classification: Likely benign for Inborn genetic diseases. Last evaluated: 2021-03-19. Review status: criteria provided, single submitter. Criteria: Ambry Variant Classification Scheme 2023. Collection method: clinical testing. Allele origin: germline.

Eurofins Ntd Llc (ga)
Classification: Uncertain significance. Last evaluated: 2018-06-12. Review status: criteria provided, single submitter. Criteria: EGL ClinVar v180209 classification definitions. Collection method: clinical testing. Allele origin: germline. Observed: 2 variant alleles, 2 heterozygotes.

Literature cited by the submitters: PubMed 22078486 (cited by Mayo Clinic Laboratories, Mayo Clinic and Ambry Genetics); PubMed 23152587 (cited by Mayo Clinic Laboratories, Mayo Clinic); PubMed 25618255 (cited by Mayo Clinic Laboratories, Mayo Clinic); PubMed 28430856 (cited by Mayo Clinic Laboratories, Mayo Clinic); PubMed 30270202 (cited by Mayo Clinic Laboratories, Mayo Clinic and Ambry Genetics); PubMed 35197922 (cited by Mayo Clinic Laboratories, Mayo Clinic); PubMed 35741724 (cited by Mayo Clinic Laboratories, Mayo Clinic); PubMed 37091525 (cited by Mayo Clinic Laboratories, Mayo Clinic).